The following is an entry in ClinVar:

ClinVar aggregate classification (germline): Uncertain significance (1 of 4 stars; one submission).

gnomAD v4.1: 1 of 1,473,168 alleles (0.000068%); highest among the groups gnomAD compares: Non-Finnish European, 0.00009%; no homozygotes.

Submission:

Ambry Genetics
Classification: Uncertain significance. Last evaluated: 2025-11-29. Review status: criteria provided, single submitter. Criteria: Ambry Variant Classification Scheme 2023. Collection method: clinical testing. Allele origin: germline.
Comment: The p.P975S variant (also known as c.2923C>T), located in coding exon 11 of the WNK2 gene, results from a C to T substitution at nucleotide position 2923. The proline at codon 975 is replaced by serine, an amino acid with similar properties. This amino acid position is conserved. In addition, this alteration is predicted to be tolerated by in silico analysis. Based on the available evidence, the clinical significance of this variant remains unclear.

NM_006648.4(WNK2):c.2923C>T (p.Pro975Ser)

Gene: WNK2 (WNK lysine deficient protein kinase 2; plus strand). Cytogenetic location: 9q22.31.
Variant type: single nucleotide variant.
Coding change: c.2923C>T on transcript NM_006648.4 (MANE Select); coding-DNA position 2923, C replaced by T.
Protein change: p.Pro975Ser; replaces proline 975 with serine.
Molecular consequence: missense variant.
Genome position (GRCh38, 1-based): chr9:93,259,471, C>T. VCF-style: chr9-93259471-C-T. GRCh37 (hg19) VCF-style: chr9-96021753-C-T.
Other names: c.2923C>T, p.Pro975Ser (NM_001282394.3); short protein forms P975S.
Identifiers: ClinVar variation 4605406 (VCV004605406.1).
Genomic context (GRCh38, chr9:93,259,471, plus strand): 5'-GTGCTGCCCCCGCAACCCACGCTGCCCCCTCAACCTGTGTTGCCCCCGCAACCCACACGG[C>T]CCCCTCAACCTGTGCTGCCCCCGCAACCCATGCTGCCCCCACAACCTGTGCTGCCCCCGC-3'
Protein context (NP_006639.3, residues 965-985): QPVLPPQPTR[Pro975Ser]PQPVLPPQPM